The following is an entry in ClinVar:

NM_006231.4(POLE):c.3423C>G (p.Ile1141Met)

Gene: POLE (DNA polymerase epsilon, catalytic subunit; minus strand). Cytogenetic location: 12q24.33.
Variant type: single nucleotide variant.
Coding change: c.3423C>G on transcript NM_006231.4 (MANE Select); coding-DNA position 3423, C replaced by G.
Protein change: p.Ile1141Met; replaces isoleucine 1141 with methionine.
Molecular consequence: missense variant.
Genome position (GRCh38, 1-based): chr12:132,657,385, G>C on the plus strand (C>G on the coding strand, the complement: POLE is on the minus strand). VCF-style: chr12-132657385-G-C. GRCh37 (hg19) VCF-style: chr12-133233971-G-C.
Other names: c.3423C>G (NM_006231.2); short protein forms I1141M.
Identifiers: ClinVar variation 1968247 (VCV001968247.6), dbSNP rs532409828, ClinGen allele CA6893235.

ClinVar aggregate classification (germline): Uncertain significance. Review status: criteria provided, multiple submitters, no conflicts (2 of 4 stars). 2 submissions from 2 submitters: Uncertain significance (2). Last evaluated 2023-12-14.

Conditions:
Hereditary cancer-predisposing syndrome. Also called: Tumor predisposition; Hereditary Cancer Syndrome; Hereditary neoplastic syndrome; Neoplastic Syndromes, Hereditary. Identifiers: Orphanet 140162, MedGen C0027672, MeSH D009386, MONDO:0015356.

Allele frequency attached by ClinVar (database versions not stated): gnomAD 0.00001; 1000 Genomes Project 30x 0.00016; 1000 Genomes Project 0.00020.

Submissions (2):

Ambry Genetics
Classification: Uncertain significance for Hereditary cancer-predisposing syndrome. Last evaluated: 2023-12-14. Review status: criteria provided, single submitter. Criteria: Ambry Variant Classification Scheme 2023. Collection method: clinical testing. Allele origin: germline.
Comment: The p.I1141M variant (also known as c.3423C>G), located in coding exon 28 of the POLE gene, results from a C to G substitution at nucleotide position 3423. The isoleucine at codon 1141 is replaced by methionine, an amino acid with highly similar properties. This amino acid position is conserved. In addition, this alteration is predicted to be tolerated by in silico analysis. Since supporting evidence is limited at this time, the clinical significance of this alteration remains unclear.

Labcorp Genetics (formerly Invitae), Labcorp
Classification: Uncertain significance. Last evaluated: 2022-10-12. Review status: criteria provided, single submitter. Criteria: Invitae Variant Classification Sherloc (09022015). Collection method: clinical testing. Allele origin: germline.
Comment: In summary, the available evidence is currently insufficient to determine the role of this variant in disease. Therefore, it has been classified as a Variant of Uncertain Significance. Advanced modeling of protein sequence and biophysical properties (such as structural, functional, and spatial information, amino acid conservation, physicochemical variation, residue mobility, and thermodynamic stability) has been performed at Invitae for this missense variant, however the output from this modeling did not meet the statistical confidence thresholds required to predict the impact of this variant on POLE protein function. This variant has not been reported in the literature in individuals affected with POLE-related conditions. This variant is not present in population databases (gnomAD no frequency). This sequence change replaces isoleucine, which is neutral and non-polar, with methionine, which is neutral and non-polar, at codon 1141 of the POLE protein (p.Ile1141Met).